The following is an entry in ClinVar:

NM_006017.3(PROM1):c.2078G>A (p.Ser693Asn)

Gene: PROM1 (prominin 1; minus strand). Cytogenetic location: 4p15.32.
Variant type: single nucleotide variant.
Coding change: c.2078G>A on transcript NM_006017.3 (MANE Select); coding-DNA position 2078, G replaced by A.
Protein change: p.Ser693Asn; replaces serine 693 with asparagine.
Molecular consequence: missense variant.
Genome position (GRCh38, 1-based): chr4:15,987,715, C>T on the plus strand (G>A on the coding strand, the complement: PROM1 is on the minus strand). VCF-style: chr4-15987715-C-T. GRCh37 (hg19) VCF-style: chr4-15989338-C-T.
Other names: c.2051G>A, p.Ser684Asn (NM_001145847.2, NM_001145848.2, NM_001145851.2 and 4 more transcripts); c.2078G>A, p.Ser693Asn (NM_001145849.2, NM_001145850.2); c.2078G>A (NM_006017.2); short protein forms S684N, S693N.
Identifiers: ClinVar variation 1001580 (VCV001001580.10), dbSNP rs773202851, ClinGen allele CA2866514.
Genomic context (GRCh38, chr4:15,987,715, plus strand): 5'-ACCCTTACCAACAATCCATTCCCTGTGCGTTGAAGTATCTTGACGCTTTGGTATAGAGTG[C>T]TCTGGCAAGAAACAGATAATATTTCCAAAATTATTACATGAAGCAGCAAGATCACATACC-3'
Protein context (NP_006008.1, residues 683-703): QRVLPIEQSL[Ser693Asn]TLYQSVKILQ

ClinVar aggregate classification (germline): Uncertain significance. Review status: criteria provided, multiple submitters, no conflicts (2 of 4 stars). 3 submissions from 3 submitters: Uncertain significance (3). Last evaluated 2025-06-23.

Conditions:
Inborn genetic diseases. Identifiers: MedGen C0950123, MeSH D030342.
PROM1-related disorder. Also called: PROM1-related disorders; PROM1-related condition.

Allele frequency attached by ClinVar (database versions not stated): gnomAD 0.00001; gnomAD exomes 0.00001; ExAC 0.00002; TOPMed 0.00002.
gnomAD v4.1: 5 of 1,609,574 alleles (0.00031%); highest among the groups gnomAD compares: Admixed American, 0.0068%; no homozygotes.

Submissions (3):

PreventionGenetics, part of Exact Sciences
Classification: Uncertain significance for PROM1-related condition. Last evaluated: 2025-06-23. Review status: criteria provided, single submitter. Criteria: ACMG Guidelines, 2015. Collection method: clinical testing. Allele origin: germline.
Comment: The PROM1 c.2078G>A variant is predicted to result in the amino acid substitution p.Ser693Asn. To our knowledge, this variant has not been reported in the literature. This variant is reported in 0.0087% of alleles in individuals of Latino descent in gnomAD. At this time, the clinical significance of this variant is uncertain due to the absence of conclusive functional and genetic evidence.

Ambry Genetics
Classification: Uncertain significance for Inborn genetic diseases. Last evaluated: 2025-02-07. Review status: criteria provided, single submitter. Criteria: Ambry Variant Classification Scheme 2023. Collection method: clinical testing. Allele origin: germline.

Labcorp Genetics (formerly Invitae), Labcorp
Classification: Uncertain significance. Last evaluated: 2024-02-23. Review status: criteria provided, single submitter. Criteria: Invitae Variant Classification Sherloc (09022015). Collection method: clinical testing. Allele origin: germline.
Comment: This sequence change replaces serine, which is neutral and polar, with asparagine, which is neutral and polar, at codon 693 of the PROM1 protein (p.Ser693Asn). This variant is present in population databases (rs773202851, gnomAD 0.009%). This variant has not been reported in the literature in individuals affected with PROM1-related conditions. ClinVar contains an entry for this variant (Variation ID: 1001580). Algorithms developed to predict the effect of missense changes on protein structure and function output the following: SIFT: "Not Available"; PolyPhen-2: "Benign"; Align-GVGD: "Not Available". The asparagine amino acid residue is found in multiple mammalian species, which suggests that this missense change does not adversely affect protein function. In summary, the available evidence is currently insufficient to determine the role of this variant in disease. Therefore, it has been classified as a Variant of Uncertain Significance.